The following is an entry in ClinVar:

NM_133259.4(LRPPRC):c.2524C>A (p.Leu842Ile)

Gene: LRPPRC (leucine rich pentatricopeptide repeat containing; minus strand). Cytogenetic location: 2p21.
Variant type: single nucleotide variant.
Coding change: c.2524C>A on transcript NM_133259.4 (MANE Select); coding-DNA position 2524, C replaced by A.
Protein change: p.Leu842Ile; replaces leucine 842 with isoleucine.
Molecular consequence: missense variant.
Genome position (GRCh38, 1-based): chr2:43,934,859, G>T on the plus strand (C>A on the coding strand, the complement: LRPPRC is on the minus strand). VCF-style: chr2-43934859-G-T. GRCh37 (hg19) VCF-style: chr2-44161998-G-T.
Other names: short protein forms L842I.
Identifiers: ClinVar variation 1394629 (VCV001394629.3), dbSNP rs763960001, ClinGen allele CA1638428.
Genomic context (GRCh38, chr2:43,934,859, plus strand): 5'-AGACATCATGAATCCTTGGTAATACTTTATACTTTTCATAGCAGTCAATGGCGACCTCAA[G>T]AGCAGTAGATAGGTCGCCCCTTAGAAACAAAAAAATTAGCAATGAATAAAATAAATCGAA-3'
Protein context (NP_573566.2, residues 832-852): HLEKGDLSTA[Leu842Ile]EVAIDCYEKY

ClinVar aggregate classification (germline): Uncertain significance (1 of 4 stars; one submission).

Allele frequency attached by ClinVar (database versions not stated): TOPMed below 0.00001; gnomAD exomes 0.00002; ExAC 0.00002.
gnomAD v4.1: 29 of 1,613,006 alleles (0.0018%); highest among the groups gnomAD compares: Non-Finnish European, 0.0025%; no homozygotes.

Submission:

Labcorp Genetics (formerly Invitae), Labcorp
Classification: Uncertain significance. Last evaluated: 2021-12-02. Review status: criteria provided, single submitter. Criteria: Invitae Variant Classification Sherloc (09022015). Collection method: clinical testing. Allele origin: germline.
Comment: This sequence change replaces leucine, which is neutral and non-polar, with isoleucine, which is neutral and non-polar, at codon 842 of the LRPPRC protein (p.Leu842Ile). This variant is present in population databases (rs763960001, gnomAD 0.004%). This variant has not been reported in the literature in individuals affected with LRPPRC-related conditions. Algorithms developed to predict the effect of missense changes on protein structure and function are either unavailable or do not agree on the potential impact of this missense change (SIFT: "Tolerated"; PolyPhen-2: "Possibly Damaging"; Align-GVGD: "Class C0"). In summary, the available evidence is currently insufficient to determine the role of this variant in disease. Therefore, it has been classified as a Variant of Uncertain Significance.